The following is an entry in ClinVar:

NM_000059.4(BRCA2):c.4658C>T (p.Thr1553Ile)

Gene: BRCA2 (BRCA2 DNA repair associated; plus strand). Cytogenetic location: 13q13.1.
Variant type: single nucleotide variant.
Coding change: c.4658C>T on transcript NM_000059.4 (MANE Select); coding-DNA position 4658, C replaced by T.
Protein change: p.Thr1553Ile; replaces threonine 1553 with isoleucine.
Molecular consequence: missense variant.
Genome position (GRCh38, 1-based): chr13:32,339,013, C>T. VCF-style: chr13-32339013-C-T. GRCh37 (hg19) VCF-style: chr13-32913150-C-T.
Other names: p.Thr1553Ile; short protein forms T1553I.
Identifiers: ClinVar variation 51691 (VCV000051691.12), dbSNP rs80358697, ClinGen allele CA020606.
Genomic context (GRCh38, chr13:32,339,013, plus strand): 5'-AAATTGCAAAGGAATCTTTGGACAAAGTGAAAAACCTTTTTGATGAAAAAGAGCAAGGTA[C>T]TAGTGAAATCACCAGTTTTAGCCATCAATGGGCAAAGACCCTAAAGTACAGAGAGGCCTG-3'
Protein context (NP_000050.3, residues 1543-1563): KNLFDEKEQG[Thr1553Ile]SEITSFSHQW

ClinVar aggregate classification (germline): Conflicting classifications of pathogenicity. Review status: criteria provided, conflicting classifications (1 of 4 stars). 6 submissions from 6 submitters: Uncertain significance (1); Likely benign (3). 2 of the submissions do not count toward it. Last evaluated 2025-11-12.

Conditions:
Hereditary cancer-predisposing syndrome. Also called: Neoplastic Syndromes, Hereditary; Tumor predisposition; Hereditary Cancer Syndrome; Hereditary neoplastic syndrome. Identifiers: Orphanet 140162, MedGen C0027672, MeSH D009386, MONDO:0015356.
Hereditary breast ovarian cancer syndrome. Also called: Hereditary breast and ovarian cancer syndrome; Hereditary breast and ovarian cancer; Hereditary breast and ovarian cancer syndrome (HBOC); Breast and ovarian cancer; Hereditary breast and/or ovarian cancer syndrome; BRCA1- and BRCA2-Associated Hereditary Breast and Ovarian Cancer. Identifiers: Orphanet 145, MedGen C0677776, MeSH D061325, MONDO:0003582. Disease mechanism: loss of function.
Breast-ovarian cancer, familial, susceptibility to, 2 (BROVCA2). Also called: BRCA2 Hereditary Breast and Ovarian Cancer. Identifiers: Orphanet 145, MedGen C2675520, MONDO:0012933, OMIM 612555. Disease mechanism: loss of function.

Allele frequency attached by ClinVar (database versions not stated): TOPMed below 0.00001; gnomAD 0.00001.
gnomAD v4.1: 4 of 1,613,806 alleles (0.00025%); highest among the groups gnomAD compares: South Asian, 0.0022%; no homozygotes.

Submissions (6):

Ambry Genetics
Classification: Likely benign for Hereditary cancer-predisposing syndrome. Last evaluated: 2025-11-12. Review status: criteria provided, single submitter. Criteria: Ambry Variant Classification Scheme 2023. Collection method: clinical testing. Allele origin: germline.

Mayo Clinic Laboratories, Mayo Clinic
Classification: Likely benign. Last evaluated: 2025-10-08. Review status: criteria provided, single submitter. Criteria: ACMG Guidelines, 2015. Collection method: clinical testing. Allele origin: germline. Observed: 1 variant allele.
Comment: BP1_strong

Labcorp Genetics (formerly Invitae), Labcorp
Classification: Uncertain significance for Hereditary breast ovarian cancer syndrome. Last evaluated: 2024-10-16. Review status: criteria provided, single submitter. Criteria: Invitae Variant Classification Sherloc (09022015). Collection method: clinical testing. Allele origin: germline.
Comment: This sequence change replaces threonine, which is neutral and polar, with isoleucine, which is neutral and non-polar, at codon 1553 of the BRCA2 protein (p.Thr1553Ile). This variant is present in population databases (rs80358697, gnomAD 0.0009%). This variant has not been reported in the literature in individuals affected with BRCA2-related conditions. ClinVar contains an entry for this variant (Variation ID: 51691). Invitae Evidence Modeling of protein sequence and biophysical properties (such as structural, functional, and spatial information, amino acid conservation, physicochemical variation, residue mobility, and thermodynamic stability) indicates that this missense variant is not expected to disrupt BRCA2 protein function with a negative predictive value of 95%. In summary, the available evidence is currently insufficient to determine the role of this variant in disease. Therefore, it has been classified as a Variant of Uncertain Significance.

University of Washington Department of Laboratory Medicine, University of Washington
Classification: Likely benign for Hereditary cancer-predisposing syndrome. Last evaluated: 2023-03-23. Review status: criteria provided, single submitter. Criteria: Dines et al. (Genet Med. 2020). Collection method: curation. Allele origin: germline.
Comment: Missense variant in a coldspot region where missense variants are very unlikely to be pathogenic (PMID:31911673).

BRCA2 exon 11 coldspot. Reclassification based on statistical prior probability.

Counsyl
Classification: Uncertain significance for Breast-ovarian cancer, familial, susceptibility to, 2. Last evaluated: 2017-11-27. Review status: no assertion criteria provided. Collection method: clinical testing. Allele origin: unknown. Not counted in ClinVar's aggregate classification.

Breast Cancer Information Core (BIC) (BRCA2)
Classification: Uncertain significance for Breast-ovarian cancer, familial 2. Review status: no assertion criteria provided. Collection method: clinical testing. Allele origin: germline. Affected: yes. Observed: 1 variant allele. Not counted in ClinVar's aggregate classification.